The following is an entry in ClinVar:

NM_016734.3(PAX5):c.340A>G (p.Ile114Val)

Gene: PAX5 (paired box 5; minus strand). Cytogenetic location: 9p13.2.
Variant type: single nucleotide variant.
Coding change: c.340A>G on transcript NM_016734.3 (MANE Select); coding-DNA position 340, A replaced by G.
Protein change: p.Ile114Val; replaces isoleucine 114 with valine.
Molecular consequence: missense variant. On other transcripts: non-coding transcript variant (2), intron variant (1).
Genome position (GRCh38, 1-based): chr9:37,015,067, T>C on the plus strand (A>G on the coding strand, the complement: PAX5 is on the minus strand). VCF-style: chr9-37015067-T-C. GRCh37 (hg19) VCF-style: chr9-37015064-T-C.
Other names: c.340A>G, p.Ile114Val (NM_001280547.2, NM_001280548.2, NM_001280549.2 and 4 more transcripts); c.16A>G, p.Ile6Val (NM_001280551.2, NM_001280556.2); c.212+5569A>G (NM_001280555.2); short protein forms I6V, I114V.
Identifiers: ClinVar variation 3885936 (VCV003885936.2).
Genomic context (GRCh38, chr9:37,015,067, plus strand): 5'-AACTGACGCTAGGCACGGTGTCATTGTCACACACCCGCTCTGCCAGCAGCCGGTCCCTGA[T>C]CTCCCAGGCAAACATGGTGGGATTTTGGCGTTTATATTCAGCGATTTTTTCCACCACTTT-3'
Protein context (NP_057953.1, residues 104-124): RQNPTMFAWE[Ile114Val]RDRLLAERVC

ClinVar aggregate classification (germline): Uncertain significance. Review status: criteria provided, multiple submitters, no conflicts (2 of 4 stars). 2 submissions from 2 submitters: Uncertain significance (2). Last evaluated 2025-01-22.

Conditions:
Inborn genetic diseases. Identifiers: MedGen C0950123, MeSH D030342.

gnomAD v4.1: 1 of 1,614,202 alleles (0.000062%); highest among the groups gnomAD compares: Middle Eastern, 0.017%; no homozygotes.

Submissions (2):

Ambry Genetics
Classification: Uncertain significance for Inborn genetic diseases. Last evaluated: 2025-01-22. Review status: criteria provided, single submitter. Criteria: Ambry Variant Classification Scheme 2023. Collection method: clinical testing. Allele origin: germline.
Comment: The p.I114V variant (also known as c.340A>G), located in coding exon 3 of the PAX5 gene, results from an A to G substitution at nucleotide position 340. The isoleucine at codon 114 is replaced by valine, an amino acid with highly similar properties. This amino acid position is conserved. In addition, this alteration is predicted to be deleterious by in silico analysis. Based on the available evidence, the clinical significance of this variant remains unclear.

Blueprint Genetics
Classification: Uncertain significance. Last evaluated: 2023-04-26. Review status: criteria provided, single submitter. Criteria: ACMG Guidelines, 2015. Collection method: clinical testing. Allele origin: germline.